The following is an entry in ClinVar:

NM_003356.4(UCP3):c.505A>G (p.Ile169Val)

Gene: UCP3 (uncoupling protein 3; minus strand). Cytogenetic location: 11q13.4.
Variant type: single nucleotide variant.
Coding change: c.505A>G on transcript NM_003356.4 (MANE Select); coding-DNA position 505, A replaced by G.
Protein change: p.Ile169Val; replaces isoleucine 169 with valine.
Molecular consequence: missense variant.
Genome position (GRCh38, 1-based): chr11:74,005,766, T>C on the plus strand (A>G on the coding strand, the complement: UCP3 is on the minus strand). VCF-style: chr11-74005766-T-C. GRCh37 (hg19) VCF-style: chr11-73716811-T-C.
Other names: c.505A>G, p.Ile169Val (NM_022803.3); short protein forms I169V.
Identifiers: ClinVar variation 4994086 (VCV004994086.1).

ClinVar aggregate classification (germline): Uncertain significance (1 of 4 stars; one submission).

Conditions:
UCP3-related disorder. Also called: UCP3-related condition.

Submission:

PreventionGenetics, part of Exact Sciences
Classification: Uncertain significance for UCP3-related condition. Last evaluated: 2025-10-29. Review status: criteria provided, single submitter. Criteria: ACMG Guidelines, 2015. Collection method: clinical testing. Allele origin: germline.
Comment: The UCP3 c.505A>G variant is predicted to result in the amino acid substitution p.Ile169Val. To our knowledge, this variant has not been reported in the literature or in a large population database (gnomAD), indicating this variant is rare. At this time, the clinical significance of this variant is uncertain due to the absence of conclusive functional and genetic evidence.